The following is an entry in ClinVar:

ClinVar aggregate classification (germline): Likely benign. Review status: criteria provided, multiple submitters, no conflicts (2 of 4 stars). 7 submissions from 7 submitters: Likely benign (3). 4 of the submissions do not count toward it. Last evaluated 2026-01-07.

Conditions:
Hypertrophic cardiomyopathy 26. Also called: Cardiomyopathy, familial hypertrophic, 26. Identifiers: Orphanet 75249, MedGen C4310749, MONDO:0014883, OMIM 617047.
Myofibrillar myopathy 5. Also called: Filaminopathy (type); FILAMINOPATHY, AUTOSOMAL DOMINANT. Identifiers: Orphanet 171445, MedGen C1836050, MONDO:0012289, OMIM 609524.
Distal myopathy with posterior leg and anterior hand involvement. Also called: WILLIAMS DISTAL MYOPATHY. Identifiers: Orphanet 63273, MedGen C3279722, MONDO:0013550, OMIM 614065.

Allele frequency attached by ClinVar (database versions not stated): gnomAD 0.00034; gnomAD exomes 0.00036 and 0.00042; ExAC 0.00057.

Submissions (7):

Labcorp Genetics (formerly Invitae), Labcorp
Classification: Likely benign for Distal myopathy with posterior leg and anterior hand involvement; Myofibrillar myopathy 5; Hypertrophic cardiomyopathy 26. Last evaluated: 2026-01-07. Review status: criteria provided, single submitter. Criteria: Invitae Variant Classification Sherloc (09022015). Collection method: clinical testing. Allele origin: germline.

Blueprint Genetics
Classification: Likely benign. Last evaluated: 2024-11-07. Review status: criteria provided, single submitter. Criteria: ACMG Guidelines, 2015. Collection method: clinical testing. Allele origin: germline.

GeneDx
Classification: Likely benign. Last evaluated: 2016-10-20. Review status: criteria provided, single submitter. Criteria: GeneDx Variant Classification (06012015). Collection method: clinical testing. Allele origin: germline. Affected: yes.
Comment: This variant is considered likely benign or benign based on one or more of the following criteria: it is a conservative change, it occurs at a poorly conserved position in the protein, it is predicted to be benign by multiple in silico algorithms, and/or has population frequency not consistent with disease.

Clinical Genetics, Academic Medical Center
Classification: Benign. Review status: no assertion criteria provided. Collection method: clinical testing. Allele origin: germline. Affected: yes. Study: VKGL Data-share Consensus. Not counted in ClinVar's aggregate classification.

Genome Diagnostics Laboratory, University Medical Center Utrecht
Classification: Likely benign. Review status: no assertion criteria provided. Collection method: clinical testing. Allele origin: germline. Affected: yes. Study: VKGL Data-share Consensus. Not counted in ClinVar's aggregate classification.

Joint Genome Diagnostic Labs from Nijmegen and Maastricht, Radboudumc and MUMC+
Classification: Likely benign. Review status: no assertion criteria provided. Collection method: clinical testing. Allele origin: germline. Affected: yes. Study: VKGL Data-share Consensus. Not counted in ClinVar's aggregate classification.

Laboratory of Diagnostic Genome Analysis, Leiden University Medical Center (LUMC)
Classification: Likely benign. Review status: no assertion criteria provided. Collection method: clinical testing. Allele origin: germline. Affected: yes. Study: VKGL Data-share Consensus. Not counted in ClinVar's aggregate classification.

NM_001458.5(FLNC):c.7991-19C>T

Genes: FLNC (filamin C; plus strand), FLNC-AS1 (FLNC antisense RNA 1; minus strand). Cytogenetic location: 7q32.1.
Variant type: single nucleotide variant.
Coding change: c.7991-19C>T on transcript NM_001458.5 (MANE Select); 19 bases into the intron before coding-DNA position 7991, C replaced by T.
Molecular consequence: intron variant.
Genome position (GRCh38, 1-based): chr7:128,858,317, C>T. VCF-style: chr7-128858317-C-T. GRCh37 (hg19) VCF-style: chr7-128498371-C-T.
Other names: c.7892-19C>T (NM_001127487.2).
Identifiers: ClinVar variation 389693 (VCV000389693.15), dbSNP rs537052947, ClinGen allele CA4476408.